The following is an entry in ClinVar:

NM_032242.4(PLXNA1):c.3247G>A (p.Ala1083Thr)

Gene: PLXNA1 (plexin A1; plus strand). Cytogenetic location: 3q21.3.
Variant type: single nucleotide variant.
Coding change: c.3247G>A on transcript NM_032242.4 (MANE Select); coding-DNA position 3247, G replaced by A.
Protein change: p.Ala1083Thr; replaces alanine 1083 with threonine.
Molecular consequence: missense variant.
Genome position (GRCh38, 1-based): chr3:127,017,008, G>A. VCF-style: chr3-127017008-G-A. GRCh37 (hg19) VCF-style: chr3-126735851-G-A.
Other names: c.3247G>A (NM_032242.3); short protein forms A1083T.
Identifiers: ClinVar variation 4963989 (VCV004963989.2).

ClinVar aggregate classification (germline): Uncertain significance. Review status: criteria provided, multiple submitters, no conflicts (2 of 4 stars). 2 submissions from 2 submitters: Uncertain significance (2). Last evaluated 2024-12-06.

Conditions:
PLXNA1-related disorder. Also called: PLXNA1-related condition.

gnomAD v4.1: 10 of 1,613,498 alleles (0.00062%); highest among the groups gnomAD compares: Non-Finnish European, 0.00085%; no homozygotes.

Submissions (2):

PreventionGenetics, part of Exact Sciences
Classification: Uncertain significance for PLXNA1-related condition. Last evaluated: 2024-12-06. Review status: criteria provided, single submitter. Criteria: ACMG Guidelines, 2015. Collection method: clinical testing. Allele origin: germline.
Comment: The PLXNA1 c.3247G>A variant is predicted to result in the amino acid substitution p.Ala1083Thr. To our knowledge, this variant has not been reported in the literature or in a large population database (gnomAD), indicating this variant is rare. At this time, the clinical significance of this variant is uncertain due to the absence of conclusive functional and genetic evidence.

Blueprint Genetics
Classification: Uncertain significance. Last evaluated: 2022-05-11. Review status: criteria provided, single submitter. Criteria: ACMG Guidelines, 2015. Collection method: clinical testing. Allele origin: germline.